The following is an entry in ClinVar:

ClinVar aggregate classification (germline): Uncertain significance (1 of 4 stars; one submission).

Conditions:
Immunodeficiency 35 (IMD35). Also called: TYK2 DEFICIENCY; HIES WITH ATYPICAL MYCOBACTERIOSIS, AUTOSOMAL RECESSIVE; HYPER-IgE SYNDROME WITH ATYPICAL MYCOBACTERIOSIS, AUTOSOMAL RECESSIVE; Susceptibility to infection due to TYK2 deficiency. Identifiers: Orphanet 331226, MedGen C1969086, MONDO:0012682, OMIM 611521.

Allele frequency attached by ClinVar (database versions not stated): gnomAD 0.00001; gnomAD exomes 0.00001; ExAC 0.00002; TOPMed 0.00003; 1000 Genomes Project 30x 0.00016; 1000 Genomes Project 0.00020.
gnomAD v4.1: 24 of 1,613,710 alleles (0.0015%); highest among the groups gnomAD compares: Admixed American, 0.0067%; no homozygotes.

Submission:

Labcorp Genetics (formerly Invitae), Labcorp
Classification: Uncertain significance for Immunodeficiency 35. Last evaluated: 2023-06-15. Review status: criteria provided, single submitter. Criteria: Invitae Variant Classification Sherloc (09022015). Collection method: clinical testing. Allele origin: germline.
Comment: In summary, the available evidence is currently insufficient to determine the role of this variant in disease. Therefore, it has been classified as a Variant of Uncertain Significance. Algorithms developed to predict the effect of missense changes on protein structure and function output the following: SIFT: "Not Available"; PolyPhen-2: "Benign"; Align-GVGD: "Not Available". The glutamine amino acid residue is found in multiple mammalian species, which suggests that this missense change does not adversely affect protein function. ClinVar contains an entry for this variant (Variation ID: 2176450). This variant has not been reported in the literature in individuals affected with TYK2-related conditions. This variant is present in population databases (rs201811978, gnomAD 0.01%). This sequence change replaces arginine, which is basic and polar, with glutamine, which is neutral and polar, at codon 294 of the TYK2 protein (p.Arg294Gln).

NM_003331.5(TYK2):c.881G>A (p.Arg294Gln)

Gene: TYK2 (tyrosine kinase 2; minus strand). Cytogenetic location: 19p13.2.
Variant type: single nucleotide variant.
Coding change: c.881G>A on transcript NM_003331.5 (MANE Select); coding-DNA position 881, G replaced by A.
Protein change: p.Arg294Gln; replaces arginine 294 with glutamine.
Molecular consequence: missense variant.
Genome position (GRCh38, 1-based): chr19:10,365,647, C>T on the plus strand (G>A on the coding strand, the complement: TYK2 is on the minus strand). VCF-style: chr19-10365647-C-T. GRCh37 (hg19) VCF-style: chr19-10476323-C-T.
Other names: c.881G>A, p.Arg294Gln (NM_001385197.1, NM_001385198.1, NM_001385199.1 and 8 more transcripts); c.791G>A, p.Arg264Gln (NM_001385205.1); short protein forms R264Q, R294Q.
Identifiers: ClinVar variation 2176450 (VCV002176450.3), dbSNP rs201811978, ClinGen allele CA9193587.